The following is an entry in ClinVar:

ClinVar aggregate classification (germline): Uncertain significance (1 of 4 stars; one submission).

Conditions:
ALG6-congenital disorder of glycosylation 1C (CDG1C). Also called: CARBOHYDRATE-DEFICIENT GLYCOPROTEIN SYNDROME, TYPE I, WITH DEFICIENT GLYCOSYLATION OF DOLICHOL-LINKED OLIGOSACCHARIDE; CARBOHYDRATE-DEFICIENT GLYCOPROTEIN SYNDROME, TYPE V; CDG Ic; Congenital disorder of glycosylation, type Ic; Congenital disorder of glycosylation type 1C. Identifiers: Orphanet 79320, MedGen C2930997, MONDO:0011291, OMIM 603147.

Allele frequency attached by ClinVar (database versions not stated): gnomAD 0.00004; gnomAD exomes 0.00005 and 0.00007; TOPMed 0.00005; ExAC 0.00006.
gnomAD v4.1: 78 of 1,609,622 alleles (0.0048%); highest among the groups gnomAD compares: Non-Finnish European, 0.0056%; no homozygotes.

Submission:

Labcorp Genetics (formerly Invitae), Labcorp
Classification: Uncertain significance for ALG6-congenital disorder of glycosylation 1C. Last evaluated: 2026-02-01. Review status: criteria provided, single submitter. Criteria: Invitae Variant Classification Sherloc (09022015). Collection method: clinical testing. Allele origin: germline.
Comment: This sequence change replaces phenylalanine, which is neutral and non-polar, with valine, which is neutral and non-polar, at codon 306 of the ALG6 protein (p.Phe306Val). This variant is present in population databases (rs769417698, gnomAD 0.01%). This variant has not been reported in the literature in individuals affected with ALG6-related conditions. ClinVar contains an entry for this variant (Variation ID: 1403511). Invitae Evidence Modeling of protein sequence and biophysical properties (such as structural, functional, and spatial information, amino acid conservation, physicochemical variation, residue mobility, and thermodynamic stability) indicates that this missense variant is not expected to disrupt ALG6 protein function with a negative predictive value of 95%. In summary, the available evidence is currently insufficient to determine the role of this variant in disease. Therefore, it has been classified as a Variant of Uncertain Significance.

NM_013339.4(ALG6):c.916T>G (p.Phe306Val)

Gene: ALG6 (ALG6 alpha-1,3-glucosyltransferase; plus strand). Cytogenetic location: 1p31.3.
Variant type: single nucleotide variant.
Coding change: c.916T>G on transcript NM_013339.4 (MANE Select); coding-DNA position 916, T replaced by G.
Protein change: p.Phe306Val; replaces phenylalanine 306 with valine.
Molecular consequence: missense variant.
Genome position (GRCh38, 1-based): chr1:63,415,886, T>G. VCF-style: chr1-63415886-T-G. GRCh37 (hg19) VCF-style: chr1-63881557-T-G.
Other names: short protein forms F306V.
Identifiers: ClinVar variation 1403511 (VCV001403511.4), dbSNP rs769417698, ClinGen allele CA888301.